The following is an entry in ClinVar:

NM_005324.5(H3-3B):c.91C>T (p.Pro31Ser)

Gene: H3-3B (H3.3 histone B; minus strand). Cytogenetic location: 17q25.1.
Variant type: single nucleotide variant.
Coding change: c.91C>T on transcript NM_005324.5 (MANE Select); coding-DNA position 91, C replaced by T.
Protein change: p.Pro31Ser; replaces proline 31 with serine.
Molecular consequence: missense variant.
Genome position (GRCh38, 1-based): chr17:75,779,084, G>A on the plus strand (C>T on the coding strand, the complement: H3-3B is on the minus strand). VCF-style: chr17-75779084-G-A. GRCh37 (hg19) VCF-style: chr17-73775165-G-A.
Other names: short protein forms P31S.
Identifiers: ClinVar variation 3376158 (VCV003376158.3).

ClinVar aggregate classification (germline): Likely pathogenic (1 of 4 stars; one submission).

Conditions:
Bryant-Li-Bhoj neurodevelopmental syndrome 2 (BRYLIB2). Also called: H3-3B syndrome. Identifiers: MedGen C5676906, MONDO:0030607, OMIM 619721. Disease mechanism: loss of function.

Submission:

Institute of Human Genetics, University of Leipzig Medical Center
Classification: Likely pathogenic for Bryant-Li-Bhoj neurodevelopmental syndrome 2. Last evaluated: 2024-10-16. Review status: criteria provided, single submitter. Criteria: ACMG Guidelines, 2015. Collection method: clinical testing. Allele origin: de novo. Inheritance: Autosomal dominant inheritance. Affected: yes.
Comment: Criteria applied: PS2_MOD,PM1,PM2,PP2